The following is an entry in ClinVar:

ClinVar aggregate classification (germline): Likely benign. Review status: criteria provided, multiple submitters, no conflicts (2 of 4 stars). 2 submissions from 2 submitters: Likely benign (2). Last evaluated 2024-02-24.

Conditions:
Nephronophthisis. Also called: Juvenile Nephronophthisis. Identifiers: Orphanet 655, MedGen C0687120, MONDO:0019005, HP:0000090.

Allele frequency attached by ClinVar (database versions not stated): gnomAD exomes below 0.00001; TOPMed below 0.00001; ExAC 0.00001; gnomAD 0.00001.
gnomAD v4.1: 3 of 1,614,098 alleles (0.00019%); highest among the groups gnomAD compares: Non-Finnish European, 0.00025%; no homozygotes.

Submissions (2):

Labcorp Genetics (formerly Invitae), Labcorp
Classification: Likely benign for Nephronophthisis. Last evaluated: 2024-02-24. Review status: criteria provided, single submitter. Criteria: Invitae Variant Classification Sherloc (09022015). Collection method: clinical testing. Allele origin: germline.

CeGaT Center for Human Genetics Tuebingen
Classification: Likely benign. Last evaluated: 2022-06-01. Review status: criteria provided, single submitter. Criteria: CeGaT Center For Human Genetics Tuebingen Variant Classification Criteria Version 2. Collection method: clinical testing. Allele origin: germline. Affected: yes. Observed: 1 variant allele.
Comment: NPHP3: BP4, BP7

NM_153240.5(NPHP3):c.1230A>G (p.Gln410=)

Genes: NPHP3 (nephrocystin 3; minus strand), NPHP3-ACAD11 (NPHP3-ACAD11 readthrough (NMD candidate); minus strand). Cytogenetic location: 3q22.1.
Variant type: single nucleotide variant.
Coding change: c.1230A>G on transcript NM_153240.5 (MANE Select); coding-DNA position 1230, A replaced by G.
Protein change: p.Gln410=; no amino-acid change (glutamine 410 retained).
Molecular consequence: synonymous variant. On other transcripts: non-coding transcript variant (1).
Genome position (GRCh38, 1-based): chr3:132,708,146, T>C on the plus strand (A>G on the coding strand, the complement: NPHP3 is on the minus strand). VCF-style: chr3-132708146-T-C. GRCh37 (hg19) VCF-style: chr3-132426990-T-C.
Identifiers: ClinVar variation 2043124 (VCV002043124.28), dbSNP rs777074422, ClinGen allele CA2622369.